The following is an entry in ClinVar:

ClinVar aggregate classification (germline): Uncertain significance (1 of 4 stars; one submission).

Allele frequency attached by ClinVar (database versions not stated): gnomAD exomes below 0.00001.
gnomAD v4.1: 2 of 1,614,144 alleles (0.00012%); highest among the groups gnomAD compares: Non-Finnish European, 0.00017%; no homozygotes.

Submission:

Labcorp Genetics (formerly Invitae), Labcorp
Classification: Uncertain significance. Last evaluated: 2024-09-06. Review status: criteria provided, single submitter. Criteria: Invitae Variant Classification Sherloc (09022015). Collection method: clinical testing. Allele origin: germline.
Comment: This sequence change replaces glycine, which is neutral and non-polar, with aspartic acid, which is acidic and polar, at codon 1782 of the FLNB protein (p.Gly1782Asp). This variant is not present in population databases (gnomAD no frequency). This variant has not been reported in the literature in individuals affected with FLNB-related conditions. Invitae Evidence Modeling of protein sequence and biophysical properties (such as structural, functional, and spatial information, amino acid conservation, physicochemical variation, residue mobility, and thermodynamic stability) indicates that this missense variant is not expected to disrupt FLNB protein function with a negative predictive value of 95%. In summary, the available evidence is currently insufficient to determine the role of this variant in disease. Therefore, it has been classified as a Variant of Uncertain Significance.

NM_001457.4(FLNB):c.5345G>A (p.Gly1782Asp)

Gene: FLNB (filamin B; plus strand). Cytogenetic location: 3p14.3.
Variant type: single nucleotide variant.
Coding change: c.5345G>A on transcript NM_001457.4 (MANE Select); coding-DNA position 5345, G replaced by A.
Protein change: p.Gly1782Asp; replaces glycine 1782 with aspartic acid.
Molecular consequence: missense variant.
Genome position (GRCh38, 1-based): chr3:58,143,533, G>A. VCF-style: chr3-58143533-G-A. GRCh37 (hg19) VCF-style: chr3-58129260-G-A.
Other names: c.5438G>A, p.Gly1813Asp (NM_001164317.2); c.5312G>A, p.Gly1771Asp (NM_001164318.2); c.5273G>A, p.Gly1758Asp (NM_001164319.2); short protein forms G1813D, G1771D, G1782D, G1758D.
Identifiers: ClinVar variation 2770672 (VCV002770672.3), dbSNP rs2471190217, ClinGen allele CA353353971.